The following is an entry in ClinVar:

ClinVar aggregate classification (germline): Uncertain significance (1 of 4 stars; one submission).

gnomAD v4.1: 8 of 1,549,868 alleles (0.00052%); highest among the groups gnomAD compares: Middle Eastern, 0.017%; no homozygotes.

Submission:

Women's Health and Genetics/Laboratory Corporation of America, LabCorp
Classification: Uncertain significance. Last evaluated: 2026-01-14. Review status: criteria provided, single submitter. Criteria: LabCorp Variant Classification Summary - May 2015. Collection method: clinical testing. Allele origin: germline.
Comment: Variant summary: ZNF469 c.1696G>A (p.Ala566Thr) results in a non-conservative amino acid change in the encoded protein sequence. Algorithms developed to predict the effect of missense changes on protein structure and function are either unavailable or do not agree on the potential impact of this missense change. The variant allele was found at a frequency of 1.4e-05 in 143194 control chromosomes. The available data on variant occurrences in the general population are insufficient to allow any conclusion about variant significance. To our knowledge, no occurrence of c.1696G>A in individuals affected with ZNF469-related conditions and no experimental evidence demonstrating its impact on protein function have been reported. No submitters have cited clinical-significance assessments for this variant to ClinVar. Based on the evidence outlined above, the variant was classified as uncertain significance.

NM_001367624.2(ZNF469):c.1696G>A (p.Ala566Thr)

Gene: ZNF469 (zinc finger protein 469; plus strand). Cytogenetic location: 16q24.2.
Variant type: single nucleotide variant.
Coding change: c.1696G>A on transcript NM_001367624.2 (MANE Select); coding-DNA position 1696, G replaced by A.
Protein change: p.Ala566Thr; replaces alanine 566 with threonine.
Molecular consequence: missense variant.
Genome position (GRCh38, 1-based): chr16:88,429,166, G>A. VCF-style: chr16-88429166-G-A. GRCh37 (hg19) VCF-style: chr16-88495574-G-A.
Other names: short protein forms A566T.
Identifiers: ClinVar variation 4689388 (VCV004689388.1).